The following is an entry in ClinVar:

NM_000433.4(NCF2):c.1268C>G (p.Thr423Ser)

Gene: NCF2 (neutrophil cytosolic factor 2; minus strand). Cytogenetic location: 1q25.3.
Variant type: single nucleotide variant.
Coding change: c.1268C>G on transcript NM_000433.4 (MANE Select); coding-DNA position 1268, C replaced by G.
Protein change: p.Thr423Ser; replaces threonine 423 with serine.
Molecular consequence: missense variant.
Genome position (GRCh38, 1-based): chr1:183,563,217, G>C on the plus strand (C>G on the coding strand, the complement: NCF2 is on the minus strand). VCF-style: chr1-183563217-G-C. GRCh37 (hg19) VCF-style: chr1-183532352-G-C.
Other names: c.1268C>G, p.Thr423Ser (NM_001127651.3); c.1025C>G, p.Thr342Ser (NM_001190789.2); c.1133C>G, p.Thr378Ser (NM_001190794.2); short protein forms T378S, T423S, T342S.
Identifiers: ClinVar variation 863055 (VCV000863055.9), dbSNP rs1672149399, ClinGen allele CA343704225.

ClinVar aggregate classification (germline): Uncertain significance (1 of 4 stars; one submission).

Conditions:
Granulomatous disease, chronic, autosomal recessive, cytochrome b-positive, type 2. Also called: CGD, AUTOSOMAL RECESSIVE CYTOCHROME b-POSITIVE, TYPE II; GRANULOMATOUS DISEASE, CHRONIC, DUE TO NCF2 DEFICIENCY; GRANULOMATOUS DISEASE, CHRONIC, AUTOSOMAL RECESSIVE, 2; Chronic granulomatous disease due to deficiency of NCF-2; Chronic Granulomatous Disease, Autosomal Recessive, Cytochrome b-Positive, Type II. Identifiers: Orphanet 379, MedGen C1856245, MONDO:0009310, OMIM 233710.

Submission:

Labcorp Genetics (formerly Invitae), Labcorp
Classification: Uncertain significance for Granulomatous disease, chronic, autosomal recessive, cytochrome b-positive, type 2. Last evaluated: 2025-05-19. Review status: criteria provided, single submitter. Criteria: Invitae Variant Classification Sherloc (09022015). Collection method: clinical testing. Allele origin: germline.
Comment: This sequence change replaces threonine, which is neutral and polar, with serine, which is neutral and polar, at codon 423 of the NCF2 protein (p.Thr423Ser). This variant is not present in population databases (gnomAD no frequency). This variant has not been reported in the literature in individuals affected with NCF2-related conditions. ClinVar contains an entry for this variant (Variation ID: 863055). Invitae Evidence Modeling of protein sequence and biophysical properties (such as structural, functional, and spatial information, amino acid conservation, physicochemical variation, residue mobility, and thermodynamic stability) has been performed for this missense variant. However, the output from this modeling did not meet the statistical confidence thresholds required to predict the impact of this variant on NCF2 protein function. In summary, the available evidence is currently insufficient to determine the role of this variant in disease. Therefore, it has been classified as a Variant of Uncertain Significance.